The following is an entry in ClinVar:

NM_004174.4(SLC9A3):c.289G>A (p.Gly97Ser)

Gene: SLC9A3 (solute carrier family 9 member A3). Cytogenetic location: 5p15.33.
Variant type: single nucleotide variant.
Coding change: c.289G>A on transcript NM_004174.4 (MANE Select); coding-DNA position 289, G replaced by A.
Protein change: p.Gly97Ser; replaces glycine 97 with serine.
Molecular consequence: missense variant.
Genome position (GRCh38, 1-based): chr5:491,994, C>T on the plus strand (G>A on the coding strand, the complement: SLC9A3 is on the minus strand). VCF-style: chr5-491994-C-T. GRCh37 (hg19) VCF-style: chr5-492109-C-T.
Other names: c.289G>A, p.Gly97Ser (NM_001284351.3); short protein forms G97S.
Identifiers: ClinVar variation 2085286 (VCV002085286.1), dbSNP rs1286293489, ClinGen allele CA359031550.

ClinVar aggregate classification (germline): Uncertain significance (1 of 4 stars; one submission).

Allele frequency attached by ClinVar (database versions not stated): TOPMed below 0.00001; gnomAD 0.00001.
gnomAD v4.1: 12 of 1,599,856 alleles (0.00075%); highest among the groups gnomAD compares: African/African-American, 0.0014%; no homozygotes.

Submission:

Labcorp Genetics (formerly Invitae), Labcorp
Classification: Uncertain significance. Last evaluated: 2021-12-27. Review status: criteria provided, single submitter. Criteria: Invitae Variant Classification Sherloc (09022015). Collection method: clinical testing. Allele origin: germline.
Comment: This sequence change replaces glycine, which is neutral and non-polar, with serine, which is neutral and polar, at codon 97 of the SLC9A3 protein (p.Gly97Ser). This variant is not present in population databases (gnomAD no frequency). This variant has not been reported in the literature in individuals affected with SLC9A3-related conditions. Algorithms developed to predict the effect of missense changes on protein structure and function are either unavailable or do not agree on the potential impact of this missense change (SIFT: "Not Available"; PolyPhen-2: "Probably Damaging"; Align-GVGD: "Not Available"). In summary, the available evidence is currently insufficient to determine the role of this variant in disease. Therefore, it has been classified as a Variant of Uncertain Significance.